The following is an entry in ClinVar:

ClinVar aggregate classification (germline): Uncertain significance (1 of 4 stars; one submission).

Submission:

Labcorp Genetics (formerly Invitae), Labcorp
Classification: Uncertain significance. Last evaluated: 2024-12-02. Review status: criteria provided, single submitter. Criteria: Invitae Variant Classification Sherloc (09022015). Collection method: clinical testing. Allele origin: germline.
Comment: This sequence change replaces aspartic acid, which is acidic and polar, with glycine, which is neutral and non-polar, at codon 479 of the MTOR protein (p.Asp479Gly). Information on the frequency of this variant in the gnomAD database is not available, as this variant may be reported differently in the database. This missense change has been observed in individual(s) with MTOR-related conditions (internal data). ClinVar contains an entry for this variant (Variation ID: 2132686). An algorithm developed to predict the effect of missense changes on protein structure and function (PolyPhen-2) suggests that this variant is likely to be disruptive. In summary, the available evidence is currently insufficient to determine the role of this variant in disease. Therefore, it has been classified as a Variant of Uncertain Significance.

NM_004958.4(MTOR):c.1436_1437delinsGC (p.Asp479Gly)

Gene: MTOR (mechanistic target of rapamycin kinase; minus strand). Cytogenetic location: 1p36.22.
Variant type: Indel.
Coding change: c.1436_1437delinsGC on transcript NM_004958.4 (MANE Select); coding-DNA positions 1436 to 1437, AT replaced by GC.
Protein change: p.Asp479Gly; replaces aspartic acid 479 with glycine.
Molecular consequence: missense variant.
Genome position (GRCh38, 1-based): chr1:11,241,657-11,241,658, AT replaced by GC on the plus strand (AT replaced by GC on the coding strand, the reverse complement: MTOR is on the minus strand). VCF-style: chr1-11241657-AT-GC. GRCh37 (hg19) VCF-style: chr1-11301714-AT-GC.
Other names: c.1436_1437delinsGC, p.Asp479Gly (NM_001386500.1); c.188_189delinsGC, p.Asp63Gly (NM_001386501.1); short protein forms D63G, D479G.
Identifiers: ClinVar variation 2132686 (VCV002132686.4), dbSNP rs2523342345, ClinGen allele CA2580060891.
Genomic context (GRCh38, chr1:11,241,657, plus strand): 5'-CTGCTGGATGCCTGGCCCCATTGCTCGAGCCAGCATGCTGATGCAAGTGAAGACTGTGGC[AT>GC]CCACCTGCATTGCCTTCTGCCTCCTGTAGAGAAATGGAGAGTGGCTAGTTGAGACATAAT-3'
Protein context (NP_004949.1, residues 469-489): AHKRQKAMQV[Asp479Gly]ATVFTCISML